The following is an entry in ClinVar:

ClinVar aggregate classification (germline): Likely benign. Review status: reviewed by expert panel (3 of 4 stars). 11 submissions from 11 submitters: Likely benign (1). 10 of the submissions do not count toward it. Last evaluated 2017-06-29.

Conditions:
Fanconi anemia, complementation group S (FANCS). Identifiers: MedGen C4554406, MONDO:0054748, OMIM 617883.
BRCA1-related disorder. Also called: BRCA1-related condition.
Hereditary cancer-predisposing syndrome. Also called: Tumor predisposition; Neoplastic Syndromes, Hereditary; Hereditary Cancer Syndrome; Hereditary neoplastic syndrome. Identifiers: Orphanet 140162, MedGen C0027672, MeSH D009386, MONDO:0015356.
Hereditary breast ovarian cancer syndrome. Also called: Hereditary breast and ovarian cancer; Hereditary breast and ovarian cancer syndrome (HBOC); Breast and ovarian cancer; Hereditary breast and/or ovarian cancer syndrome; BRCA1- and BRCA2-Associated Hereditary Breast and Ovarian Cancer; Hereditary breast and ovarian cancer syndrome. Identifiers: Orphanet 145, MedGen C0677776, MeSH D061325, MONDO:0003582. Disease mechanism: loss of function.
Breast-ovarian cancer, familial, susceptibility to, 1 (BROVCA1). Also called: OVARIAN CANCER, SUSCEPTIBILITY TO; BRCA1 Hereditary Breast and Ovarian Cancer. Identifiers: Orphanet 145, MedGen C2676676, MONDO:0011450, OMIM 604370. Disease mechanism: loss of function.

Allele frequency attached by ClinVar (database versions not stated): gnomAD exomes 0.00002 and 0.00005; TOPMed 0.00002; gnomAD 0.00004 and 0.00005; ExAC 0.00006; ESP Exome Variant Server 0.00008; 1000 Genomes Project 30x 0.00016; 1000 Genomes Project 0.00020.
gnomAD v4.1: 30 of 1,614,034 alleles (0.0019%); highest among the groups gnomAD compares: Admixed American, 0.015%; no homozygotes.

Submissions (11):

Evidence-based Network for the Interpretation of Germline Mutant Alleles (ENIGMA)
Classification: Likely benign for Breast-ovarian cancer, familial, susceptibility to, 1. Last evaluated: 2017-06-29. Review status: reviewed by expert panel. Criteria: ENIGMA BRCA1/2 Classification Criteria (2017-06-29). Collection method: curation. Allele origin: germline.
Comment: Synonymous substitution variant, with low bioinformatic likelihood to result in a splicing aberration (Splicing prior probability 0.02).

PreventionGenetics, part of Exact Sciences
Classification: Likely benign for BRCA1-related condition. Last evaluated: 2026-07-16. Review status: criteria provided, single submitter. Criteria: ACMG Guidelines, 2015. Collection method: clinical testing. Allele origin: germline. Not counted in ClinVar's aggregate classification.
Comment: This variant is classified as likely benign based on ACMG/AMP sequence variant interpretation guidelines (Richards et al. 2015 PMID: 25741868, with internal and published modifications).

Labcorp Genetics (formerly Invitae), Labcorp
Classification: Likely benign for Hereditary breast ovarian cancer syndrome. Last evaluated: 2025-12-28. Review status: criteria provided, single submitter. Criteria: Invitae Variant Classification Sherloc (09022015). Collection method: clinical testing. Allele origin: germline. Not counted in ClinVar's aggregate classification.

CeGaT Center for Human Genetics Tuebingen
Classification: Likely benign. Last evaluated: 2025-09-01. Review status: criteria provided, single submitter. Criteria: CeGaT Center For Human Genetics Tuebingen Variant Classification Criteria Version 2. Collection method: clinical testing. Allele origin: germline. Affected: yes. Observed: 1 variant allele. Not counted in ClinVar's aggregate classification.
Comment: BRCA1: BP4, BP7

Department of Pathology and Laboratory Medicine, Sinai Health System
Classification: Likely benign for Fanconi anemia, complementation group S. Last evaluated: 2023-10-06. Review status: criteria provided, single submitter. Criteria: ACMG Guidelines, 2015. Collection method: clinical testing. Allele origin: germline. Affected: no. Not counted in ClinVar's aggregate classification.

Quest Diagnostics Nichols Institute San Juan Capistrano
Classification: Likely benign. Last evaluated: 2022-10-21. Review status: criteria provided, single submitter. Criteria: Quest Diagnostics criteria. Collection method: clinical testing. Allele origin: unknown. Not counted in ClinVar's aggregate classification.

Sema4
Classification: Likely benign for Hereditary cancer-predisposing syndrome. Last evaluated: 2021-09-16. Review status: criteria provided, single submitter. Criteria: Sema4 Curation Guidelines. Collection method: curation. Allele origin: germline. Not counted in ClinVar's aggregate classification.

GeneDx
Classification: Likely benign. Last evaluated: 2020-02-18. Review status: criteria provided, single submitter. Criteria: GeneDx Variant Classification Process June 2021. Collection method: clinical testing. Allele origin: germline. Affected: yes. Not counted in ClinVar's aggregate classification.
Comment: This variant is associated with the following publications: (PMID: 26000489)

Women's Health and Genetics/Laboratory Corporation of America, LabCorp
Classification: Likely benign. Last evaluated: 2019-08-21. Review status: criteria provided, single submitter. Criteria: LabCorp Variant Classification Summary - May 2015. Collection method: clinical testing. Allele origin: germline. Not counted in ClinVar's aggregate classification.

Color Diagnostics, LLC DBA Color Health
Classification: Likely benign for Hereditary cancer-predisposing syndrome. Last evaluated: 2017-03-08. Review status: criteria provided, single submitter. Criteria: ACMG Guidelines, 2015. Collection method: clinical testing. Allele origin: germline. Not counted in ClinVar's aggregate classification.

Ambry Genetics
Classification: Likely benign for Hereditary cancer-predisposing syndrome. Last evaluated: 2014-06-18. Review status: criteria provided, single submitter. Criteria: Ambry Variant Classification Scheme 2023. Collection method: clinical testing. Allele origin: germline. Not counted in ClinVar's aggregate classification.

Literature cited by the submitters: PubMed 32467295 (cited by Quest Diagnostics Nichols Institute San Juan Capistrano).

NM_007294.4(BRCA1):c.1242C>T (p.Asp414=)

Gene: BRCA1 (BRCA1 DNA repair associated; minus strand). Cytogenetic location: 17q21.31.
Variant type: single nucleotide variant.
Coding change: c.1242C>T on transcript NM_007294.4 (MANE Select); coding-DNA position 1242, C replaced by T.
Protein change: p.Asp414=; no amino-acid change (aspartic acid 414 retained).
Molecular consequence: synonymous variant. On other transcripts: intron variant (137).
Genome position (GRCh38, 1-based): chr17:43,094,289, G>A on the plus strand (C>T on the coding strand, the complement: BRCA1 is on the minus strand). VCF-style: chr17-43094289-G-A. GRCh37 (hg19) VCF-style: chr17-41246306-G-A.
Other names: c.1029C>T, p.Asp343= (NM_001407571.1, NM_001407853.1, NM_001407894.1 and 9 more transcripts); c.1242C>T, p.Asp414= (NM_001407581.1, NM_001407582.1, NM_001407583.1 and 30 more transcripts); c.1239C>T, p.Asp413= (NM_001407587.1, NM_001407590.1, NM_001407591.1 and 22 more transcripts); c.1233C>T, p.Asp411= (NM_001407646.1, NM_001407647.1); c.1119C>T, p.Asp373= (NM_001407648.1, NM_001407664.1, NM_001407665.1 and 19 more transcripts); c.1116C>T, p.Asp372= (NM_001407649.1, NM_001407670.1, NM_001407671.1 and 11 more transcripts); c.1164C>T, p.Asp388= (NM_001407653.1, NM_001407654.1, NM_001407655.1 and 4 more transcripts); c.1161C>T, p.Asp387= (NM_001407659.1, NM_001407660.1, NM_001407661.1 and 1 more transcripts); and 40 more.
Identifiers: ClinVar variation 184215 (VCV000184215.35), dbSNP rs372400428, ClinGen allele CA000818.